The following is an entry in ClinVar:

NM_170707.4(LMNA):c.606G>A (p.Glu202=)

Gene: LMNA (lamin A/C; plus strand). Cytogenetic location: 1q22.
Variant type: single nucleotide variant.
Coding change: c.606G>A on transcript NM_170707.4 (MANE Select); coding-DNA position 606, G replaced by A.
Protein change: p.Glu202=; no amino-acid change (glutamic acid 202 retained).
Molecular consequence: synonymous variant.
Genome position (GRCh38, 1-based): chr1:156,134,495, G>A. VCF-style: chr1-156134495-G-A. GRCh37 (hg19) VCF-style: chr1-156104286-G-A.
Other names: c.270G>A, p.Glu90= (NM_001257374.3); c.363G>A, p.Glu121= (NM_001282624.2); c.606G>A, p.Glu202= (NM_001282625.2, NM_001282626.2, NM_005572.4 and 1 more transcripts).
Identifiers: ClinVar variation 1332196 (VCV001332196.12), dbSNP rs963378138, ClinGen allele CA31010953.

ClinVar aggregate classification (germline): Likely benign. Review status: criteria provided, multiple submitters, no conflicts (2 of 4 stars). 4 submissions from 4 submitters: Likely benign (4). Last evaluated 2025-07-03.

Conditions:
Cardiovascular phenotype. Identifiers: MedGen CN230736.
Charcot-Marie-Tooth disease type 2. Also called: Charcot-Marie-Tooth type 2. Identifiers: Orphanet 64746, MedGen C0270914, MONDO:0018993.
Primary dilated cardiomyopathy (DCM). Also called: Dilated Cardiomyopathy. Identifiers: Orphanet 217604, MedGen C0007193, MeSH D002311, MONDO:0005021, HP:0001644. Inheritance: Various modes of inheritance.
Cardiomyopathy (CMYO). Also called: Cardiomyopathies. Identifiers: Orphanet 167848, MedGen C0878544, MONDO:0004994, HP:0001638. Inheritance: Various modes of inheritance.

Allele frequency attached by ClinVar (database versions not stated): gnomAD 0.00001; gnomAD exomes below 0.00001.
gnomAD v4.1: 1 of 1,614,100 alleles (0.000062%); highest among the groups gnomAD compares: African/African-American, 0.0013%; no homozygotes.

Submissions (4):

Labcorp Genetics (formerly Invitae), Labcorp
Classification: Likely benign for Charcot-Marie-Tooth disease type 2. Last evaluated: 2025-07-03. Review status: criteria provided, single submitter. Criteria: Invitae Variant Classification Sherloc (09022015). Collection method: clinical testing. Allele origin: germline.

All of Us Research Program, National Institutes of Health
Classification: Likely benign for Primary dilated cardiomyopathy. Last evaluated: 2024-05-14. Review status: criteria provided, single submitter. Criteria: ACMG Guidelines, 2015. Collection method: clinical testing. Allele origin: germline. Inheritance: Autosomal dominant inheritance. Observed: 1 variant allele, 1 heterozygote.
Comment: This study involves interpretation of variants in research participants for the purpose of population health screening. Participant phenotype was not available at the time of variant classification. Additional details can be found in publication PMID: 35346344, PMCID: PMC8962531

Ambry Genetics
Classification: Likely benign for Cardiovascular phenotype. Last evaluated: 2023-01-25. Review status: criteria provided, single submitter. Criteria: Ambry Variant Classification Scheme 2023. Collection method: clinical testing. Allele origin: germline.

Color Diagnostics, LLC DBA Color Health
Classification: Likely benign for Cardiomyopathy. Last evaluated: 2021-03-16. Review status: criteria provided, single submitter. Criteria: ACMG Guidelines, 2015. Collection method: clinical testing. Allele origin: germline.